The following is an entry in ClinVar:

NM_001165963.4(SCN1A):c.4651A>T (p.Ile1551Phe)

Genes: SCN1A (sodium voltage-gated channel alpha subunit 1; minus strand), LOC102724058 (uncharacterized LOC102724058; plus strand). Cytogenetic location: 2q24.3.
Variant type: single nucleotide variant.
Coding change: c.4651A>T on transcript NM_001165963.4 (MANE Select); coding-DNA position 4651, A replaced by T.
Protein change: p.Ile1551Phe; replaces isoleucine 1551 with phenylalanine.
Molecular consequence: missense variant. On other transcripts: non-coding transcript variant (1).
Genome position (GRCh38, 1-based): chr2:165,994,347, T>A on the plus strand (A>T on the coding strand, the complement: SCN1A is on the minus strand). VCF-style: chr2-165994347-T-A. GRCh37 (hg19) VCF-style: chr2-166850857-T-A.
Other names: c.4567A>T, p.Ile1523Phe (NM_001165964.3, NM_001353957.2, NM_001353958.2); c.4651A>T, p.Ile1551Phe (NM_001202435.3, NM_001353948.2); c.4618A>T, p.Ile1540Phe (NM_001353949.2, NM_001353950.2, NM_001353951.2 and 2 more transcripts); c.4615A>T, p.Ile1539Phe (NM_001353954.2, NM_001353955.2); c.4564A>T, p.Ile1522Phe (NM_001353960.2); c.2209A>T, p.Ile737Phe (NM_001353961.2); c.4651A>T (NM_001202435.1); short protein forms I1540F, I1551F, I1522F, I1539F, I737F, I1523F.
Identifiers: ClinVar variation 546140 (VCV000546140.7), dbSNP rs1553521053, ClinGen allele CA349072227.

ClinVar aggregate classification (germline): Conflicting classifications of pathogenicity. Review status: criteria provided, conflicting classifications (1 of 4 stars). 3 submissions from 3 submitters: Likely pathogenic (1); Uncertain significance (2). Last evaluated 2025-11-24.

Conditions:
Early-infantile DEE. Also called: Ohtahara syndrome; Early infantile epileptic encephalopathy; Early infantile epileptic encephalopathy with suppression bursts. Identifiers: Orphanet 1934, MedGen C0393706, MONDO:0800491.

Submissions (3):

Labcorp Genetics (formerly Invitae), Labcorp
Classification: Likely pathogenic for Early-infantile DEE. Last evaluated: 2025-11-24. Review status: criteria provided, single submitter. Criteria: Invitae Variant Classification Sherloc (09022015). Collection method: clinical testing. Allele origin: germline.
Comment: This sequence change replaces isoleucine, which is neutral and non-polar, with phenylalanine, which is neutral and non-polar, at codon 1551 of the SCN1A protein (p.Ile1551Phe). This variant is not present in population databases (gnomAD no frequency). This missense change has been observed in individual(s) with clinical features of autosomal dominant familial hemiplegic migraine (internal data). It has also been observed to segregate with disease in related individuals. ClinVar contains an entry for this variant (Variation ID: 546140). Invitae Evidence Modeling of protein sequence and biophysical properties (such as structural, functional, and spatial information, amino acid conservation, physicochemical variation, residue mobility, and thermodynamic stability) indicates that this missense variant is expected to disrupt SCN1A protein function with a positive predictive value of 95%. In summary, the currently available evidence indicates that the variant is pathogenic, but additional data are needed to prove that conclusively. Therefore, this variant has been classified as Likely Pathogenic.

Athena Diagnostics
Classification: Uncertain significance. Last evaluated: 2025-04-21. Review status: criteria provided, single submitter. Criteria: Athena Diagnostics Criteria. Collection method: clinical testing. Allele origin: unknown.
Comment: Available data are insufficient to determine the clinical significance of the variant at this time. This variant has not been reported in large, multi-ethnic general populations. Polyphen and MutationTaster predict this amino acid change may be damaging to the protein.

GeneDx
Classification: Uncertain significance. Last evaluated: 2018-02-22. Review status: criteria provided, single submitter. Criteria: GeneDx Variant Classification (06012015). Collection method: clinical testing. Allele origin: germline. Affected: yes.
Comment: A variant of uncertain significance has been identified in the SCN1A gene. The I1551F variant has not been published as a pathogenic variant, nor has it been reported as a benign variant to our knowledge. The I1551F variant is not observed in large population cohorts (Lek et al., 2016). This substitution is predicted to be within the transmembrane segment S1 of the fourth homologous domain. Missense variants in nearby residues have been reported in the Human Gene Mutation Database in individuals with Dravet syndrome (Stenson et al., 2014). In-silico analyses, including protein predictors and evolutionary conservation, support a deleterious effect. However, the I1551F variant is a conservative amino acid substitution, which is not likely to impact secondary protein structure as these residues share similar properties. Therefore, based on the currently available information, it is unclear whether this variant is a pathogenic variant or a rare benign variant.